The following is an entry in ClinVar:

NM_004369.4(COL6A3):c.8376C>T (p.Asp2792=)

Gene: COL6A3 (collagen type VI alpha 3 chain; minus strand). Cytogenetic location: 2q37.3.
Variant type: single nucleotide variant.
Coding change: c.8376C>T on transcript NM_004369.4 (MANE Select); coding-DNA position 8376, C replaced by T.
Protein change: p.Asp2792=; no amino-acid change (aspartic acid 2792 retained).
Molecular consequence: synonymous variant.
Genome position (GRCh38, 1-based): chr2:237,340,540, G>A on the plus strand (C>T on the coding strand, the complement: COL6A3 is on the minus strand). VCF-style: chr2-237340540-G-A. GRCh37 (hg19) VCF-style: chr2-238249183-G-A.
Other names: c.6555C>T, p.Asp2185= (NM_057166.5); c.7758C>T, p.Asp2586= (NM_057167.4).
Identifiers: ClinVar variation 284823 (VCV000284823.28), dbSNP rs772967228, ClinGen allele CA2187567.

ClinVar aggregate classification (germline): Conflicting classifications of pathogenicity. Review status: criteria provided, conflicting classifications (1 of 4 stars). 3 submissions from 3 submitters: Uncertain significance (1); Likely benign (2). Last evaluated 2024-04-01.

Conditions:
Bethlem myopathy 1A. Also called: Bethlem myopathy 1; Bethlem Muscular Dystrophy; MYOPATHY, BENIGN CONGENITAL, WITH CONTRACTURES. Identifiers: Orphanet 610, MedGen CN029274, MONDO:0024530, OMIM 158810.

Allele frequency attached by ClinVar (database versions not stated): TOPMed below 0.00001; gnomAD 0.00001; gnomAD exomes 0.00001 and 0.00003; ExAC 0.00002.
gnomAD v4.1: 45 of 1,614,074 alleles (0.0028%); highest among the groups gnomAD compares: South Asian, 0.02%; no homozygotes.

Submissions (3):

CeGaT Center for Human Genetics Tuebingen
Classification: Likely benign. Last evaluated: 2024-04-01. Review status: criteria provided, single submitter. Criteria: CeGaT Center For Human Genetics Tuebingen Variant Classification Criteria Version 2. Collection method: clinical testing. Allele origin: germline. Affected: yes. Observed: 1 variant allele.
Comment: COL6A3: BP4, BP7

Labcorp Genetics (formerly Invitae), Labcorp
Classification: Likely benign for Bethlem myopathy 1A. Last evaluated: 2023-12-05. Review status: criteria provided, single submitter. Criteria: Invitae Variant Classification Sherloc (09022015). Collection method: clinical testing. Allele origin: germline.

Eurofins Ntd Llc (ga)
Classification: Uncertain significance. Last evaluated: 2015-11-11. Review status: criteria provided, single submitter. Criteria: EGL Classification Definitions 2015. Collection method: clinical testing. Allele origin: germline. Observed: 1 variant allele, 1 heterozygote.